The following is an entry in ClinVar:

NM_001008212.2(OPTN):c.433A>G (p.Thr145Ala)

Gene: OPTN (optineurin; plus strand). Cytogenetic location: 10p13.
Variant type: single nucleotide variant.
Coding change: c.433A>G on transcript NM_001008212.2 (MANE Select); coding-DNA position 433, A replaced by G.
Protein change: p.Thr145Ala; replaces threonine 145 with alanine.
Molecular consequence: missense variant.
Genome position (GRCh38, 1-based): chr10:13,112,516, A>G. VCF-style: chr10-13112516-A-G. GRCh37 (hg19) VCF-style: chr10-13154516-A-G.
Other names: c.433A>G, p.Thr145Ala (NM_001008211.1, NM_001008213.1, NM_021980.4); short protein forms T145A.
Identifiers: ClinVar variation 1903617 (VCV001903617.5), dbSNP rs2539041552, ClinGen allele CA376027902.

ClinVar aggregate classification (germline): Uncertain significance (1 of 4 stars; one submission).

Conditions:
Primary open angle glaucoma (POAG). Also called: OPTN-related open angle glaucoma. Identifiers: MedGen C0339573, MONDO:0100553, OMIM 137760.
Amyotrophic lateral sclerosis type 12 (ALS12). Also called: AMYOTROPHIC LATERAL SCLEROSIS 12 WITH OR WITHOUT FRONTOTEMPORAL DEMENTIA. Identifiers: Orphanet 803, MedGen C3150692, MONDO:0013264, OMIM 613435.
Glaucoma 1, open angle, E. Identifiers: MedGen C1842026, MONDO:0007665.

Submission:

Labcorp Genetics (formerly Invitae), Labcorp
Classification: Uncertain significance for Primary open angle glaucoma; Glaucoma 1, open angle, E; Amyotrophic lateral sclerosis type 12. Last evaluated: 2022-07-25. Review status: criteria provided, single submitter. Criteria: Invitae Variant Classification Sherloc (09022015). Collection method: clinical testing. Allele origin: germline.
Comment: This sequence change replaces threonine, which is neutral and polar, with alanine, which is neutral and non-polar, at codon 145 of the OPTN protein (p.Thr145Ala). In summary, the available evidence is currently insufficient to determine the role of this variant in disease. Therefore, it has been classified as a Variant of Uncertain Significance. Algorithms developed to predict the effect of missense changes on protein structure and function output the following: SIFT: "Tolerated"; PolyPhen-2: "Benign"; Align-GVGD: "Class C0". The alanine amino acid residue is found in multiple mammalian species, which suggests that this missense change does not adversely affect protein function. This variant has not been reported in the literature in individuals affected with OPTN-related conditions. This variant is not present in population databases (gnomAD no frequency).